The following is an entry in ClinVar:

ClinVar aggregate classification (germline): Benign/Likely benign. Review status: criteria provided, multiple submitters, no conflicts (2 of 4 stars). 5 submissions from 5 submitters: Benign (1); Likely benign (4). Last evaluated 2026-09-21.

Conditions:
KCNQ1-related disorder. Also called: KCNQ1-related condition; KCNQ1-related disorders. Identifiers: MedGen CN239322.
Long QT syndrome (LQTS). Identifiers: MedGen C0023976, MeSH D008133, MONDO:0002442. Disease mechanism: loss of function. Inheritance: Various modes of inheritance.

Allele frequency attached by ClinVar (database versions not stated): gnomAD exomes 0.00002; ExAC 0.00002; TOPMed 0.00004; gnomAD 0.00005; ESP Exome Variant Server 0.00015.
gnomAD v4.1: 40 of 1,611,928 alleles (0.0025%); highest among the groups gnomAD compares: African/African-American, 0.0093%; no homozygotes.

Submissions (5):

Molecular Diagnostic Laboratory for Inherited Cardiovascular Disease, Montreal Heart Institute
Classification: Likely benign. Last evaluated: 2026-09-21. Review status: criteria provided, single submitter. Criteria: ACMG Guidelines, 2015. Collection method: clinical testing. Allele origin: germline. Affected: no.

Labcorp Genetics (formerly Invitae), Labcorp
Classification: Likely benign for Long QT syndrome. Last evaluated: 2025-12-29. Review status: criteria provided, single submitter. Criteria: Invitae Variant Classification Sherloc (09022015). Collection method: clinical testing. Allele origin: germline.

Women's Health and Genetics/Laboratory Corporation of America, LabCorp
Classification: Likely benign. Last evaluated: 2025-04-23. Review status: criteria provided, single submitter. Criteria: LabCorp Variant Classification Summary - May 2015. Collection method: clinical testing. Allele origin: germline.

PreventionGenetics, part of Exact Sciences
Classification: Likely benign for KCNQ1-related condition. Last evaluated: 2024-10-07. Review status: criteria provided, single submitter. Criteria: ACMG Guidelines, 2015. Collection method: clinical testing. Allele origin: germline.
Comment: This variant is classified as likely benign based on ACMG/AMP sequence variant interpretation guidelines (Richards et al. 2015 PMID: 25741868, with internal and published modifications).

GeneDx
Classification: Benign. Last evaluated: 2015-07-07. Review status: criteria provided, single submitter. Criteria: GeneDx Variant Classification (06012015). Collection method: clinical testing. Allele origin: germline. Affected: yes.
Comment: This variant is considered likely benign or benign based on one or more of the following criteria: it is a conservative change, it occurs at a poorly conserved position in the protein, it is predicted to be benign by multiple in silico algorithms, and/or has population frequency not consistent with disease.

NM_000218.3(KCNQ1):c.921+7C>T

Gene: KCNQ1 (potassium voltage-gated channel subfamily Q member 1; plus strand). Cytogenetic location: 11p15.5.
Variant type: single nucleotide variant.
Coding change: c.921+7C>T on transcript NM_000218.3 (MANE Select); 7 bases into the intron after coding-DNA position 921, C replaced by T.
Molecular consequence: intron variant.
Genome position (GRCh38, 1-based): chr11:2,572,993, C>T. VCF-style: chr11-2572993-C-T. GRCh37 (hg19) VCF-style: chr11-2594223-C-T.
Other names: c.651+7C>T (NM_001406837.1); c.921+7C>T (NM_001406836.1); c.478-10442C>T (NM_001406838.1); c.540+7C>T (NM_181798.2).
Identifiers: ClinVar variation 378017 (VCV000378017.16), dbSNP rs370506451, ClinGen allele CA041503.